The following is an entry in ClinVar:

ClinVar aggregate classification (germline): Likely benign (1 of 4 stars; one submission).

gnomAD v4.1: 19 of 1,535,716 alleles (0.0012%); highest among the groups gnomAD compares: Middle Eastern, 0.017%; no homozygotes.

Submission:

CeGaT Center for Human Genetics Tuebingen
Classification: Likely benign. Last evaluated: 2026-01-01. Review status: criteria provided, single submitter. Criteria: CeGaT Center For Human Genetics Tuebingen Variant Classification Criteria Version 2. Collection method: clinical testing. Allele origin: germline. Affected: yes. Observed: 1 variant allele.
Comment: KCNN2: BP4, BP7

NM_021614.4(KCNN2):c.597C>G (p.Pro199=)

Gene: KCNN2 (potassium calcium-activated channel subfamily N member 2; plus strand). Cytogenetic location: 5q22.3.
Variant type: single nucleotide variant.
Coding change: c.597C>G on transcript NM_021614.4 (MANE Select); coding-DNA position 597, C replaced by G.
Protein change: p.Pro199=; no amino-acid change (proline 199 retained).
Molecular consequence: synonymous variant. On other transcripts: non-coding transcript variant (1).
Genome position (GRCh38, 1-based): chr5:114,362,736, C>G. VCF-style: chr5-114362736-C-G. GRCh37 (hg19) VCF-style: chr5-113698433-C-G.
Other names: c.795C>G, p.Pro265= (NM_001372233.1).
Identifiers: ClinVar variation 4821874 (VCV004821874.4).